The following is an entry in ClinVar:

NC_000006.11:g.(?_42162409)_(44154249_?)del

Genes: ABCC10 (ATP binding cassette subfamily C member 10; plus strand), BICRAL (BICRA like chromatin remodeling complex associated protein; plus strand), CAPN11 (calpain 11; plus strand), CNPY3 (canopy FGF signaling regulator 3; plus strand), CRIP3 (cysteine rich protein 3; minus strand) and 40 more. Cytogenetic location: 6p21.1.
Variant type: Deletion.
Identifiers: ClinVar variation 2424354 (VCV002424354.5).

ClinVar aggregate classification (germline): Uncertain significance (1 of 4 stars; one submission).

Submission:

Labcorp Genetics (formerly Invitae), Labcorp
Classification: Uncertain significance. Last evaluated: 2021-12-03. Review status: criteria provided, single submitter. Criteria: Invitae Variant Classification Sherloc (09022015). Collection method: clinical testing. Allele origin: germline.
Comment: In summary, the available evidence is currently insufficient to determine the role of this variant in disease. Therefore, it has been classified as a Variant of Uncertain Significance. This variant has not been reported in the literature in individuals affected with GUCA1B-related conditions. This sequence change is a complex rearrangement involving exon 1 of the GUCA1B gene. Although the exact nature of the event is unknown, it likely involves partial deletion and/or inversion of this exon.